The following is an entry in ClinVar:

NM_001256545.2(MEGF10):c.117-3C>T

Gene: MEGF10 (multiple EGF like domains 10; plus strand). Cytogenetic location: 5q23.2.
Variant type: single nucleotide variant.
Coding change: c.117-3C>T on transcript NM_001256545.2 (MANE Select); 3 bases into the intron before coding-DNA position 117, C replaced by T.
Molecular consequence: intron variant.
Genome position (GRCh38, 1-based): chr5:127,339,117, C>T. VCF-style: chr5-127339117-C-T. GRCh37 (hg19) VCF-style: chr5-126674809-C-T.
Other names: c.117-3C>T (NM_032446.3, NM_001308119.2, NM_001308121.2).
Identifiers: ClinVar variation 1391391 (VCV001391391.6), dbSNP rs1166247376, ClinGen allele CA562866128.

ClinVar aggregate classification (germline): Uncertain significance (1 of 4 stars; one submission).

Conditions:
MEGF10-related myopathy (CMYO10A). Also called: Congenital myopathy 10A, severe variant. Identifiers: Orphanet 439212, MedGen C3280679, MONDO:0013731, OMIM 614399.

Allele frequency attached by ClinVar (database versions not stated): gnomAD exomes below 0.00001.
gnomAD v4.1: 7 of 1,569,046 alleles (0.00045%); highest among the groups gnomAD compares: Non-Finnish European, 0.00052%; no homozygotes.

Submission:

Labcorp Genetics (formerly Invitae), Labcorp
Classification: Uncertain significance for MEGF10-related myopathy. Last evaluated: 2021-09-04. Review status: criteria provided, single submitter. Criteria: Invitae Variant Classification Sherloc (09022015). Collection method: clinical testing. Allele origin: germline.
Comment: In summary, the available evidence is currently insufficient to determine the role of this variant in disease. Therefore, it has been classified as a Variant of Uncertain Significance. This variant has not been reported in the literature in individuals affected with MEGF10-related conditions. Variants that disrupt the consensus splice site are a relatively common cause of aberrant splicing (PMID: 17576681, 9536098). Algorithms developed to predict the effect of sequence changes on RNA splicing suggest that this variant is not likely to affect RNA splicing. This variant is not present in population databases (ExAC no frequency). This sequence change falls in intron 3 of the MEGF10 gene. It does not directly change the encoded amino acid sequence of the MEGF10 protein. It affects a nucleotide within the consensus splice site of the intron.

Literature cited by the submitters: PubMed 17576681; PubMed 9536098.